The following is an entry in ClinVar:

ClinVar aggregate classification (germline): Pathogenic. Review status: criteria provided, multiple submitters, no conflicts (2 of 4 stars). 7 submissions from 7 submitters: Pathogenic (6). 1 of the submissions does not count toward it. Last evaluated 2026-01-14.

Conditions:
Bloom syndrome (BLM). Also called: Bloom-Torre-Machacek syndrome. Identifiers: Orphanet 125, MedGen C0005859, MONDO:0008876, OMIM 210900.
Hereditary cancer-predisposing syndrome. Also called: Tumor predisposition; Hereditary neoplastic syndrome; Neoplastic Syndromes, Hereditary; Hereditary Cancer Syndrome. Identifiers: Orphanet 140162, MedGen C0027672, MeSH D009386, MONDO:0015356.

Allele frequency attached by ClinVar (database versions not stated): gnomAD exomes 0.00001; TOPMed 0.00001; ExAC 0.00001; gnomAD 0.00001.

Submissions (7):

Labcorp Genetics (formerly Invitae), Labcorp
Classification: Pathogenic for Bloom syndrome. Last evaluated: 2026-01-14. Review status: criteria provided, single submitter. Criteria: Invitae Variant Classification Sherloc (09022015). Collection method: clinical testing. Allele origin: germline.
Comment: This sequence change creates a premature translational stop signal (p.Lys657Glufs*5) in the BLM gene. It is expected to result in an absent or disrupted protein product. Loss-of-function variants in BLM are known to be pathogenic (PMID: 17407155). This variant is present in population databases (rs772785079, gnomAD 0.002%). This premature translational stop signal has been observed in individual(s) with Bloom syndrome (PMID: 17407155). ClinVar contains an entry for this variant (Variation ID: 495425). RNA analysis performed to evaluate the impact of this premature translational stop signal on mRNA splicing indicates it does not significantly alter splicing (internal data). For these reasons, this variant has been classified as Pathogenic.

Natera, Inc.
Classification: Pathogenic for Bloom syndrome. Last evaluated: 2025-11-19. Review status: criteria provided, single submitter. Criteria: Natera Variant Classification Schema (03/2026). Collection method: clinical testing. Allele origin: germline.
Comment: The c.1968dupG variant in BLM is a frameshift variant predicted to shift the reading frame beginning at codon 657 and leads to a stop codon 5 codons downstream. This variant is expected to result in nonsense mediated decay, truncation, or a dysfunctional protein product. This variant is rare in the general population with a frequency below the threshold expected for the associated phenotype(s). This variant has been observed in one or more individuals affected with the associated recessive disease, as either homozygous or compound heterozygous with a second variant (PMID: 17407155). Given the available evidence, this variant is classified as Pathogenic.

GeneDx
Classification: Pathogenic. Last evaluated: 2024-11-01. Review status: criteria provided, single submitter. Criteria: GeneDx Variant Classification Process June 2021. Collection method: clinical testing. Allele origin: germline.
Comment: Frameshift variant predicted to result in protein truncation or nonsense mediated decay in a gene for which loss of function is a known mechanism of disease; Not observed at significant frequency in large population cohorts (gnomAD); This variant is associated with the following publications: (PMID: 26247052, 26358404, 25129257, 29625052, 34308104, 36451132, 17407155)

Baylor Genetics
Classification: Pathogenic for Bloom syndrome. Last evaluated: 2024-02-08. Review status: criteria provided, single submitter. Criteria: ACMG Guidelines, 2015. Collection method: clinical testing. Allele origin: unknown.

Ambry Genetics
Classification: Pathogenic for Hereditary cancer-predisposing syndrome. Last evaluated: 2023-02-27. Review status: criteria provided, single submitter. Criteria: Ambry Variant Classification Scheme 2023. Collection method: clinical testing. Allele origin: germline.
Comment: The c.1968dupG pathogenic mutation, located in coding exon 7 of the BLM gene, results from a duplication of G at nucleotide position 1968, causing a translational frameshift with a predicted alternate stop codon (p.K657Efs*5). This alteration has been reported in a cohort of 134 persons with Bloom syndrome (BS) from the Bloom's Syndrome Registry (German J et al. Hum. Mutat., 2007 Aug;28:743-53). In addition to the clinical data presented in the literature, this alteration is expected to result in loss of function by premature protein truncation or nonsense-mediated mRNA decay. As such, this alteration is interpreted as a disease-causing mutation.

Women's Health and Genetics/Laboratory Corporation of America, LabCorp
Classification: Pathogenic for Bloom syndrome. Last evaluated: 2019-12-01. Review status: criteria provided, single submitter. Criteria: LabCorp Variant Classification Summary - May 2015. Collection method: clinical testing. Allele origin: germline.
Comment: Variant summary: BLM c.1968dupG (p.Lys657GlufsX5) results in a premature termination codon, predicted to cause a truncation of the encoded protein or absence of the protein due to nonsense mediated decay, which are commonly known mechanisms for disease. Truncations downstream of this position have been classified as pathogenic by our laboratory. The variant allele was found at a frequency of 1.2e-05 in 251206 control chromosomes. c.1968dupG has been reported in the literature in at-least one homozygous individual born to consanguineous parents, affected with Bloom Syndrome and included in the Bloom syndrome registry (German_2007). It has subsequently been cited as a pathogenic variant in reports of carrier screening for BLM syndrome (Perreault-Micale_2015) and other literature (de Voer_2015, Salah_2014). These data indicate that the variant is likely to be associated with disease. To our knowledge, no experimental evidence demonstrating an impact on protein function has been reported. The variant has been observed at-least twice among individuals undergoing carrier screening at our laboratory. No other clinical diagnostic laboratories have submitted clinical-significance assessments for this variant to ClinVar after 2014. Based on the evidence outlined above, the variant was re-classified as pathogenic.

Counsyl
Classification: Likely pathogenic for Bloom syndrome. Last evaluated: 2015-03-16. Review status: no assertion criteria provided. Collection method: clinical testing. Allele origin: unknown. Not counted in ClinVar's aggregate classification.

Literature cited by the submitters: PubMed 17407155 (cited by 5 submitters); PubMed 26247052 (cited by Women's Health and Genetics/Laboratory Corporation of America, LabCorp); PubMed 25129257 (cited by Women's Health and Genetics/Laboratory Corporation of America, LabCorp); PubMed 26358404 (cited by Women's Health and Genetics/Laboratory Corporation of America, LabCorp).

NM_000057.4(BLM):c.1968dup (p.Lys657fs)

Gene: BLM (BLM RecQ like helicase; plus strand). Cytogenetic location: 15q26.1.
Variant type: Duplication.
Coding change: c.1968dup on transcript NM_000057.4 (MANE Select); coding-DNA position 1968, one base duplicated (G; older notation c.1968dupG).
Protein change: p.Lys657fs; shifts the reading frame from lysine 657.
Molecular consequence: frameshift variant.
Genome position (GRCh38, 1-based): chr15:90,763,051, G duplicated. VCF-style (leftmost placement, unchanged base first): chr15-90763050-T-TG. GRCh37 (hg19) VCF-style: chr15-91306280-T-TG.
Other names: c.1968dup (LRG_20t1); c.1968dup, p.Lys657fs (NM_001287246.2, NM_001287247.2); c.843dup, p.Lys282fs (NM_001287248.2); c.1968dupG (NM_000057.2, NM_000057.3); short protein forms K657fs, K282fs.
Identifiers: ClinVar variation 495425 (VCV000495425.28), dbSNP rs772785079, ClinGen allele CA7738629.